The following is an entry in ClinVar:

ClinVar aggregate classification (germline): Uncertain significance (1 of 4 stars; one submission).

Conditions:
Familial cancer of breast. Also called: hereditary breast carcinoma; BREAST CANCER, FAMILIAL; Hereditary breast cancer. Identifiers: Orphanet 227535, MedGen C0346153, MONDO:0016419, OMIM 114480. Disease mechanism: loss of function.
Fanconi anemia complementation group J. Also called: BRIP1-Related Fanconi Anemia. Identifiers: Orphanet 84, MedGen C1836860, MONDO:0012187, OMIM 609054.

Submission:

Labcorp Genetics (formerly Invitae), Labcorp
Classification: Uncertain significance for Familial cancer of breast; Fanconi anemia complementation group J. Last evaluated: 2022-10-22. Review status: criteria provided, single submitter. Criteria: Invitae Variant Classification Sherloc (09022015). Collection method: clinical testing. Allele origin: germline.
Comment: This variant is a gross deletion of the genomic region encompassing exon(s) 11-13 of the BRIP1 gene. This variant would be expected to be in-frame, preserving the integrity of the reading frame. A similar copy number variant has been observed in individual(s) with ovarian cancer (PMID: 26720728, 30322717). Experimental studies and prediction algorithms are not available or were not evaluated, and the functional significance of this variant is currently unknown. In summary, the available evidence is currently insufficient to determine the role of this variant in disease. Therefore, it has been classified as a Variant of Uncertain Significance.

Literature cited by the submitters: PubMed 26720728; PubMed 30322717.

NC_000017.11:g.(?_61780251)_(61784434_?)del

Genes: BRIP1 (BRCA1 interacting DNA helicase 1; minus strand), LOC130061360 (ATAC-STARR-seq lymphoblastoid active region 12535; plus strand). Cytogenetic location: 17q23.2.
Variant type: Deletion.
Identifiers: ClinVar variation 583649 (VCV000583649.4).